The following is an entry in ClinVar:

NM_000372.5(TYR):c.1267del (p.Glu423fs)

Gene: TYR (tyrosinase; plus strand). Cytogenetic location: 11q14.3.
Variant type: Deletion.
Coding change: c.1267del on transcript NM_000372.5 (MANE Select); coding-DNA position 1267, one base deleted (G; older notation c.1267delG).
Protein change: p.Glu423fs; shifts the reading frame from glutamic acid 423.
Molecular consequence: frameshift variant.
Genome position (GRCh38, 1-based): chr11:89,284,855, G deleted; the last of 3 consecutive G bases (chr11:89,284,853-89,284,855); deleting any one gives the same sequence. VCF-style (leftmost placement, unchanged base first): chr11-89284852-CG-C. GRCh37 (hg19) VCF-style: chr11-89018020-CG-C.
Other names: short protein forms E423fs.
Identifiers: ClinVar variation 585282 (VCV000585282.4), dbSNP rs1565423674, ClinGen allele CA891843463.

ClinVar aggregate classification (germline): Pathogenic. Review status: criteria provided, multiple submitters, no conflicts (2 of 4 stars). 2 submissions from 2 submitters: Pathogenic (2). Last evaluated 2021-07-22.

Conditions:
Oculocutaneous albinism type 1A (OCA1A). Also called: Albinism, oculocutaneous, type IA. Identifiers: Orphanet 352731, Orphanet 79431, MedGen C4551504, MONDO:0008745, OMIM 203100. Disease mechanism: loss of function.

Submissions (2):

Genome-Nilou Lab
Classification: Pathogenic for Oculocutaneous albinism type 1A. Last evaluated: 2021-07-22. Review status: criteria provided, single submitter. Criteria: ACMG Guidelines, 2015. Collection method: clinical testing. Allele origin: germline. Affected: no.

Center of Genomic medicine, Geneva, University Hospital of Geneva
Classification: Pathogenic for Oculocutaneous albinism type 1A. Last evaluated: 2018-01-08. Review status: criteria provided, single submitter. Criteria: ACMG Guidelines, 2015. Collection method: clinical testing. Allele origin: paternal. Affected: yes. Observed: 2 variant alleles.